The following is an entry in ClinVar:

NM_000026.4(ADSL):c.1339T>C (p.Ser447Pro)

Gene: ADSL (adenylosuccinate lyase; plus strand). Cytogenetic location: 22q13.1.
Variant type: single nucleotide variant.
Coding change: c.1339T>C on transcript NM_000026.4 (MANE Select); coding-DNA position 1339, T replaced by C.
Protein change: p.Ser447Pro; replaces serine 447 with proline.
Molecular consequence: missense variant. On other transcripts: non-coding transcript variant (1), intron variant (1).
Genome position (GRCh38, 1-based): chr22:40,365,027, T>C. VCF-style: chr22-40365027-T-C. GRCh37 (hg19) VCF-style: chr22-40761031-T-C.
Other names: p.S447P:TCT>CCT; c.1147T>C, p.Ser383Pro (NM_001317923.2); c.1339T>C, p.Ser447Pro (NM_001363840.3); c.1191+662T>C (NM_001123378.3); short protein forms S447P, S383P.
Identifiers: ClinVar variation 204801 (VCV000204801.16), dbSNP rs777821034, ClinGen allele CA313120.

ClinVar aggregate classification (germline): Conflicting classifications of pathogenicity. Review status: criteria provided, conflicting classifications (1 of 4 stars). 6 submissions from 6 submitters: Pathogenic (3); Likely pathogenic (1); Uncertain significance (2). Last evaluated 2025-10-02.

Conditions:
Adenylosuccinate lyase deficiency (ADSLD). Also called: ADSL DEFICIENCY. Identifiers: Orphanet 46, MedGen C0268126, MONDO:0007068, OMIM 103050.

Allele frequency attached by ClinVar (database versions not stated): gnomAD 0.00001; gnomAD exomes 0.00001 and 0.00003; ExAC 0.00002; TOPMed 0.00002.

Submissions (6):

Labcorp Genetics (formerly Invitae), Labcorp
Classification: Likely pathogenic for Adenylosuccinate lyase deficiency. Last evaluated: 2025-10-02. Review status: criteria provided, single submitter. Criteria: Invitae Variant Classification Sherloc (09022015). Collection method: clinical testing. Allele origin: germline.
Comment: This sequence change replaces serine, which is neutral and polar, with proline, which is neutral and non-polar, at codon 447 of the ADSL protein (p.Ser447Pro). This variant is present in population databases (rs777821034, gnomAD 0.003%). This missense change has been observed in individual(s) with adenylosuccinate lyase deficiency (PMID: 12016589, 31069529, 37838930). ClinVar contains an entry for this variant (Variation ID: 204801). Invitae Evidence Modeling of protein sequence and biophysical properties (such as structural, functional, and spatial information, amino acid conservation, physicochemical variation, residue mobility, and thermodynamic stability) indicates that this missense variant is not expected to disrupt ADSL protein function with a negative predictive value of 80%. In summary, the currently available evidence indicates that the variant is pathogenic, but additional data are needed to prove that conclusively. Therefore, this variant has been classified as Likely Pathogenic.

Revvity Omics, Revvity
Classification: Uncertain significance for Adenylosuccinate lyase deficiency. Last evaluated: 2023-08-01. Review status: criteria provided, single submitter. Criteria: ACMG Guidelines, 2015. Collection method: clinical testing. Allele origin: germline.

Blueprint Genetics
Classification: Uncertain significance. Last evaluated: 2022-11-11. Review status: criteria provided, single submitter. Criteria: ACMG Guidelines, 2015. Collection method: clinical testing. Allele origin: germline.

GeneDx
Classification: Pathogenic. Last evaluated: 2021-04-14. Review status: criteria provided, single submitter. Criteria: GeneDx Variant Classification Process June 2021. Collection method: clinical testing. Allele origin: germline. Affected: yes.
Comment: In silico analysis, which includes protein predictors and evolutionary conservation, supports a deleterious effect; Missense variants in nearby residues reported in the Human Gene Mutation Database (Stenson et al., 2014); Not observed at a significant frequency in large population cohorts (Lek et al., 2016); This variant is associated with the following publications: (PMID: 29655203, 12016589, 16839792)

Baylor Genetics
Classification: Pathogenic for Adenylosuccinate lyase deficiency. Last evaluated: 2020-09-02. Review status: criteria provided, single submitter. Criteria: ACMG Guidelines, 2015. Collection method: clinical testing. Allele origin: unknown. Affected: yes.
Comment: This variant was determined to be pathogenic according to ACMG Guidelines, 2015 [PMID:25741868].

Fulgent Genetics
Classification: Pathogenic for Adenylosuccinate lyase deficiency. Last evaluated: 2018-10-31. Review status: criteria provided, single submitter. Criteria: ACMG Guidelines, 2015. Collection method: clinical testing. Allele origin: unknown.

Literature cited by the submitters: PubMed 12016589 (cited by Labcorp Genetics (formerly Invitae), Labcorp); PubMed 31069529 (cited by Labcorp Genetics (formerly Invitae), Labcorp); PubMed 37838930 (cited by Labcorp Genetics (formerly Invitae), Labcorp).